The following is an entry in ClinVar:

ClinVar aggregate classification (germline): Uncertain significance (1 of 4 stars; one submission).

gnomAD v4.1: 2 of 1,613,776 alleles (0.00012%); highest among the groups gnomAD compares: East Asian, 0.0045%; no homozygotes.

Submission:

Mayo Clinic Laboratories, Mayo Clinic
Classification: Uncertain significance. Last evaluated: 2025-05-22. Review status: criteria provided, single submitter. Criteria: ACMG Guidelines, 2015. Collection method: clinical testing. Allele origin: germline. Observed: 1 variant allele.
Comment: BP4_moderate, PM2_supporting

NM_031443.4(CCM2):c.995A>G (p.His332Arg)

Gene: CCM2 (CCM2 scaffold protein; plus strand). Cytogenetic location: 7p13.
Variant type: single nucleotide variant.
Coding change: c.995A>G on transcript NM_031443.4 (MANE Select); coding-DNA position 995, A replaced by G.
Protein change: p.His332Arg; replaces histidine 332 with arginine.
Molecular consequence: missense variant. On other transcripts: non-coding transcript variant (1).
Genome position (GRCh38, 1-based): chr7:45,074,349, A>G. VCF-style: chr7-45074349-A-G. GRCh37 (hg19) VCF-style: chr7-45113948-A-G.
Other names: p.His332Arg; c.1058A>G, p.His353Arg (NM_001029835.2); c.821A>G, p.His274Arg (NM_001167934.2); c.722A>G, p.His241Arg (NM_001167935.2); c.1118A>G, p.His373Arg (NM_001363458.2); c.944A>G, p.His315Arg (NM_001363459.2); short protein forms H241R, H274R, H353R, H315R, H332R, H373R.
Identifiers: ClinVar variation 4541289 (VCV004541289.1).
Genomic context (GRCh38, chr7:45,074,349, plus strand): 5'-CACAGGAGATCCAGCAGTTTGCAGCACTGCTGCACGAGTACCGCAATGGGGCCTCTATCC[A>G]CGAGTTCTGCATCAACCTGCGGCAGCTCTACGGGGACAGCCGCAAGTTCCTGCTGCTTGG-3'
Protein context (NP_113631.1, residues 322-342): LHEYRNGASI[His332Arg]EFCINLRQLY